The following is an entry in ClinVar:

ClinVar aggregate classification (germline): Uncertain significance (1 of 4 stars; one submission).

Conditions:
Cowden syndrome 6 (CWS6). Identifiers: Orphanet 201, MedGen C3554519, MONDO:0014048, OMIM 615109.

Submission:

Labcorp Genetics (formerly Invitae), Labcorp
Classification: Uncertain significance for Cowden syndrome 6. Last evaluated: 2019-10-12. Review status: criteria provided, single submitter. Criteria: Invitae Variant Classification Sherloc (09022015). Collection method: clinical testing. Allele origin: germline.
Comment: This sequence change replaces glutamic acid with glutamine at codon 397 of the AKT1 protein (p.Glu397Gln). The glutamic acid residue is weakly conserved and there is a small physicochemical difference between glutamic acid and glutamine. This variant is not present in population databases (ExAC no frequency). This variant has not been reported in the literature in individuals with AKT1-related conditions. Algorithms developed to predict the effect of missense changes on protein structure and function are either unavailable or do not agree on the potential impact of this missense change (SIFT: "Deleterious"; PolyPhen-2: "Benign"; Align-GVGD: "Class C0"). In summary, the available evidence is currently insufficient to determine the role of this variant in disease. Therefore, it has been classified as a Variant of Uncertain Significance.

NM_001382430.1(AKT1):c.1189G>C (p.Glu397Gln)

Gene: AKT1 (AKT serine/threonine kinase 1; minus strand). Cytogenetic location: 14q32.33.
Variant type: single nucleotide variant.
Coding change: c.1189G>C on transcript NM_001382430.1 (MANE Select); coding-DNA position 1189, G replaced by C.
Protein change: p.Glu397Gln; replaces glutamic acid 397 with glutamine.
Molecular consequence: missense variant.
Genome position (GRCh38, 1-based): chr14:104,772,436, C>G on the plus strand (G>C on the coding strand, the complement: AKT1 is on the minus strand). VCF-style: chr14-104772436-C-G. GRCh37 (hg19) VCF-style: chr14-105238773-C-G.
Other names: c.1189G>C, p.Glu397Gln (NM_001014431.2, NM_001014432.2, NM_001382431.1 and 3 more transcripts); short protein forms E397Q.
Identifiers: ClinVar variation 940930 (VCV000940930.9), dbSNP rs531850885, ClinGen allele CA391216371.